The following is an entry in ClinVar:

NM_000540.3(RYR1):c.13525G>A (p.Gly4509Arg)

Gene: RYR1 (ryanodine receptor 1; plus strand). Cytogenetic location: 19q13.2.
Variant type: single nucleotide variant.
Coding change: c.13525G>A on transcript NM_000540.3 (MANE Select); coding-DNA position 13525, G replaced by A.
Protein change: p.Gly4509Arg; replaces glycine 4509 with arginine.
Molecular consequence: missense variant.
Genome position (GRCh38, 1-based): chr19:38,567,783, G>A. VCF-style: chr19-38567783-G-A. GRCh37 (hg19) VCF-style: chr19-39058423-G-A.
Other names: c.13510G>A, p.Gly4504Arg (NM_001042723.2); short protein forms G4504R, G4509R.
Identifiers: ClinVar variation 1009235 (VCV001009235.8), dbSNP rs1973512099, ClinGen allele CA405677479.
Genomic context (GRCh38, chr19:38,567,783, plus strand): 5'-TGCATTGCCTGCCCAGGCACCTCCTGACCTCTCTCTGTCCTGCCCTGCAGTGCCGAGAAT[G>A]GGGAGAAGGAAGAAGTTCCCGAGCCCACACCAGAGCCCCCCAAGAAGCAAGCACCTCCCT-3'
Protein context (NP_000531.2, residues 4499-4519): LEPEKADAEN[Gly4509Arg]EKEEVPEPTP

ClinVar aggregate classification (germline): Uncertain significance (1 of 4 stars; one submission).

Conditions:
RYR1-related disorder. Also called: RYR1-related condition; RYR1-related disorders. Identifiers: MedGen CN239331.

Submission:

Labcorp Genetics (formerly Invitae), Labcorp
Classification: Uncertain significance for RYR1-related disorder. Last evaluated: 2023-08-24. Review status: criteria provided, single submitter. Criteria: Invitae Variant Classification Sherloc (09022015). Collection method: clinical testing. Allele origin: germline.
Comment: This sequence change replaces glycine, which is neutral and non-polar, with arginine, which is basic and polar, at codon 4509 of the RYR1 protein (p.Gly4509Arg). This variant is not present in population databases (gnomAD no frequency). This variant has not been reported in the literature in individuals affected with RYR1-related conditions. ClinVar contains an entry for this variant (Variation ID: 1009235). Advanced modeling of protein sequence and biophysical properties (such as structural, functional, and spatial information, amino acid conservation, physicochemical variation, residue mobility, and thermodynamic stability) has been performed at Invitae for this missense variant, however the output from this modeling did not meet the statistical confidence thresholds required to predict the impact of this variant on RYR1 protein function. In summary, the available evidence is currently insufficient to determine the role of this variant in disease. Therefore, it has been classified as a Variant of Uncertain Significance.